The following is an entry in ClinVar:

NM_001036.6(RYR3):c.13627C>T (p.Pro4543Ser)

Gene: RYR3 (ryanodine receptor 3; plus strand). Cytogenetic location: 15q14.
Variant type: single nucleotide variant.
Coding change: c.13627C>T on transcript NM_001036.6 (MANE Select); coding-DNA position 13627, C replaced by T.
Protein change: p.Pro4543Ser; replaces proline 4543 with serine.
Molecular consequence: missense variant.
Genome position (GRCh38, 1-based): chr15:33,848,420, C>T. VCF-style: chr15-33848420-C-T. GRCh37 (hg19) VCF-style: chr15-34140621-C-T.
Other names: c.13612C>T, p.Pro4538Ser (NM_001243996.4); short protein forms P4538S, P4543S.
Identifiers: ClinVar variation 2515708 (VCV002515708.26), dbSNP rs762840378, ClinGen allele CA7461681.

ClinVar aggregate classification (germline): Uncertain significance. Review status: criteria provided, multiple submitters, no conflicts (2 of 4 stars). 2 submissions from 2 submitters: Uncertain significance (2). Last evaluated 2025-10-23.

Allele frequency attached by ClinVar (database versions not stated): TOPMed 0.00003; gnomAD 0.00005; ExAC 0.00007.
gnomAD v4.1: 118 of 1,611,196 alleles (0.0073%); highest among the groups gnomAD compares: Non-Finnish European, 0.0097%; no homozygotes.

Submissions (2):

Ambry Genetics
Classification: Uncertain significance. Last evaluated: 2025-10-23. Review status: criteria provided, single submitter. Criteria: Ambry Variant Classification Scheme 2023. Collection method: clinical testing. Allele origin: germline.

CeGaT Center for Human Genetics Tuebingen
Classification: Uncertain significance. Last evaluated: 2023-10-01. Review status: criteria provided, single submitter. Criteria: CeGaT Center For Human Genetics Tuebingen Variant Classification Criteria Version 2. Collection method: clinical testing. Allele origin: germline. Affected: yes. Observed: 1 variant allele.
Comment: RYR3: PP3